The following is an entry in ClinVar:

ClinVar aggregate classification (germline): Uncertain significance. Review status: criteria provided, single submitter (1 of 4 stars). 2 submissions from 2 submitters: Uncertain significance (1). 1 of the submissions does not count toward it. Last evaluated 2026-08-29.

Conditions:
Inborn genetic diseases. Identifiers: MedGen C0950123, MeSH D030342.
GLUD1-related disorder. Also called: GLUD1-related condition.

gnomAD v4.1: 21 of 1,613,838 alleles (0.0013%); highest among the groups gnomAD compares: Non-Finnish European, 0.0017%; no homozygotes.

Submissions (2):

Ambry Genetics
Classification: Uncertain significance for Inborn genetic diseases. Last evaluated: 2026-08-29. Review status: criteria provided, single submitter. Criteria: Ambry Variant Classification Scheme 2023. Collection method: clinical testing. Allele origin: germline.
Comment: The p.V330I variant (also known as c.988G>A), located in coding exon 7 of the GLUD1 gene, results from a G to A substitution at nucleotide position 988. The valine at codon 330 is replaced by isoleucine, an amino acid with highly similar properties. This amino acid position is conserved. In addition, this alteration is predicted to be tolerated by in silico analysis. Based on the available evidence, the clinical significance of this variant remains unclear.

PreventionGenetics, part of Exact Sciences
Classification: Uncertain significance for GLUD1-related condition. Last evaluated: 2024-03-08. Review status: no assertion criteria provided. Collection method: clinical testing. Allele origin: germline. Not counted in ClinVar's aggregate classification.
Comment: The GLUD1 c.988G>A variant is predicted to result in the amino acid substitution p.Val330Ile. To our knowledge, this variant has not been reported in the literature. This variant is reported in 0.0029% of alleles in individuals of Latino descent in gnomAD. At this time, the clinical significance of this variant is uncertain due to the absence of conclusive functional and genetic evidence.

NM_005271.5(GLUD1):c.988G>A (p.Val330Ile)

Gene: GLUD1 (glutamate dehydrogenase 1; minus strand). Cytogenetic location: 10q23.2.
Variant type: single nucleotide variant.
Coding change: c.988G>A on transcript NM_005271.5 (MANE Select); coding-DNA position 988, G replaced by A.
Protein change: p.Val330Ile; replaces valine 330 with isoleucine.
Molecular consequence: missense variant.
Genome position (GRCh38, 1-based): chr10:87,060,986, C>T on the plus strand (G>A on the coding strand, the complement: GLUD1 is on the minus strand). VCF-style: chr10-87060986-C-T. GRCh37 (hg19) VCF-style: chr10-88820743-C-T.
Other names: c.487G>A, p.Val163Ile (NM_001318902.1, NM_001318904.2, NM_001318905.2 and 2 more transcripts); c.988G>A (NM_005271.3); c.589G>A, p.Val197Ile (NM_001318900.1); short protein forms V163I, V197I, V330I.
Identifiers: ClinVar variation 3349673 (VCV003349673.3).